The following is an entry in ClinVar:

NM_001852.4(COL9A2):c.629C>T (p.Pro210Leu)

Gene: COL9A2 (collagen type IX alpha 2 chain; minus strand). Cytogenetic location: 1p34.2.
Variant type: single nucleotide variant.
Coding change: c.629C>T on transcript NM_001852.4 (MANE Select); coding-DNA position 629, C replaced by T.
Protein change: p.Pro210Leu; replaces proline 210 with leucine.
Molecular consequence: missense variant.
Genome position (GRCh38, 1-based): chr1:40,311,094, G>A on the plus strand (C>T on the coding strand, the complement: COL9A2 is on the minus strand). VCF-style: chr1-40311094-G-A. GRCh37 (hg19) VCF-style: chr1-40776766-G-A.
Other names: short protein forms P210L.
Identifiers: ClinVar variation 804594 (VCV000804594.20), dbSNP rs199831035, ClinGen allele CA791834.

ClinVar aggregate classification (germline): Conflicting classifications of pathogenicity. Review status: criteria provided, conflicting classifications (1 of 4 stars). 7 submissions from 7 submitters: Uncertain significance (6); Benign (1). Last evaluated 2025-12-23.

Conditions:
Inborn genetic diseases. Identifiers: MedGen C0950123, MeSH D030342.
Epiphyseal dysplasia, multiple, 2 (EDM2). Also called: COL9A2-Related Multiple Epiphyseal Dysplasia. Identifiers: MedGen C1838429, MONDO:0010844, OMIM 600204.
COL9A2-related disorder. Also called: COL9A2-related condition.

Allele frequency attached by ClinVar (database versions not stated): gnomAD 0.00005 and 0.00007; ESP Exome Variant Server 0.00008; TOPMed 0.00009; ExAC 0.00015.
gnomAD v4.1: 143 of 1,614,036 alleles (0.0089%); highest among the groups gnomAD compares: Middle Eastern, 0.05%; no homozygotes.

Submissions (7):

Labcorp Genetics (formerly Invitae), Labcorp
Classification: Uncertain significance. Last evaluated: 2025-12-23. Review status: criteria provided, single submitter. Criteria: Invitae Variant Classification Sherloc (09022015). Collection method: clinical testing. Allele origin: germline.
Comment: This sequence change replaces proline, which is neutral and non-polar, with leucine, which is neutral and non-polar, at codon 210 of the COL9A2 protein (p.Pro210Leu). This variant is present in population databases (rs199831035, gnomAD 0.1%). This variant has not been reported in the literature in individuals affected with COL9A2-related conditions. ClinVar contains an entry for this variant (Variation ID: 804594). An algorithm developed to predict the effect of missense changes on protein structure and function outputs the following: PolyPhen-2: "Probably Damaging". The leucine amino acid residue is found in multiple mammalian species, which suggests that this missense change does not adversely affect protein function. In summary, the available evidence is currently insufficient to determine the role of this variant in disease. Therefore, it has been classified as a Variant of Uncertain Significance.

PreventionGenetics, part of Exact Sciences
Classification: Uncertain significance for COL9A2-related condition. Last evaluated: 2025-12-16. Review status: criteria provided, single submitter. Criteria: ACMG Guidelines, 2015. Collection method: clinical testing. Allele origin: germline.
Comment: The COL9A2 c.629C>T variant is predicted to result in the amino acid substitution p.Pro210Leu. To our knowledge, this variant has not been reported in the literature. This variant is reported in 0.12% of alleles in individuals of Ashkenazi Jewish descent in gnomAD. Although we suspect that this variant may be benign, at this time, the clinical significance of this variant is uncertain due to the absence of conclusive functional and genetic evidence.

GeneDx
Classification: Uncertain significance. Last evaluated: 2025-12-04. Review status: criteria provided, single submitter. Criteria: GeneDx Variant Classification Process June 2021. Collection method: clinical testing. Allele origin: germline. Affected: yes.
Comment: Has not been previously published as pathogenic or benign to our knowledge; In silico analysis indicates that this missense variant does not alter protein structure/function

Blueprint Genetics
Classification: Benign. Last evaluated: 2024-05-03. Review status: criteria provided, single submitter. Criteria: ACMG Guidelines, 2015. Collection method: clinical testing. Allele origin: germline.

Ambry Genetics
Classification: Uncertain significance for Inborn genetic diseases. Last evaluated: 2022-04-28. Review status: criteria provided, single submitter. Criteria: Ambry Variant Classification Scheme 2023. Collection method: clinical testing. Allele origin: germline.

Athena Diagnostics
Classification: Uncertain significance. Last evaluated: 2019-06-11. Review status: criteria provided, single submitter. Criteria: Athena Diagnostics Criteria. Collection method: clinical testing. Allele origin: germline.

Illumina Laboratory Services, Illumina
Classification: Uncertain significance for Epiphyseal dysplasia, multiple, 2. Last evaluated: 2018-03-16. Review status: criteria provided, single submitter. Criteria: ICSL Variant Classification Criteria 13 December 2019. Collection method: clinical testing. Allele origin: germline.